The following is an entry in ClinVar:

NM_001848.3(COL6A1):c.56C>T (p.Ala19Val)

Gene: COL6A1 (collagen type VI alpha 1 chain; plus strand). Cytogenetic location: 21q22.3.
Variant type: single nucleotide variant.
Coding change: c.56C>T on transcript NM_001848.3 (MANE Select); coding-DNA position 56, C replaced by T.
Protein change: p.Ala19Val; replaces alanine 19 with valine.
Molecular consequence: missense variant.
Genome position (GRCh38, 1-based): chr21:45,981,906, C>T. VCF-style: chr21-45981906-C-T. GRCh37 (hg19) VCF-style: chr21-47401820-C-T.
Other names: short protein forms A19V.
Identifiers: ClinVar variation 5017295 (VCV005017295.1).
Genomic context (GRCh38, chr21:45,981,906, plus strand): 5'-CAGACATGAGGGCGGCCCGTGCTCTGCTGCCCCTGCTGCTGCAGGCCTGCTGGACAGCCG[C>T]GCAGGATGAGCCGGAGACCCCGAGGGCCGTGGCCTTCCAGGGTGAGTGGTGGCTTGGGGT-3'
Protein context (NP_001839.2, residues 9-29): PLLLQACWTA[Ala19Val]QDEPETPRAV

ClinVar aggregate classification (germline): Uncertain significance (1 of 4 stars; one submission).

Submission:

GeneDx
Classification: Uncertain significance. Last evaluated: 2026-04-03. Review status: criteria provided, single submitter. Criteria: GeneDx Variant Classification Process June 2021. Collection method: clinical testing. Allele origin: germline.
Comment: Not observed at significant frequency in large population cohorts (gnomAD); In silico analysis suggests that this missense variant does not alter protein structure/function; Has not been previously published as pathogenic or benign to our knowledge